The following is an entry in ClinVar:

ClinVar aggregate classification (germline): Uncertain significance (1 of 4 stars; one submission).

Conditions:
Hereditary cancer-predisposing syndrome. Also called: Hereditary Cancer Syndrome; Hereditary neoplastic syndrome; Neoplastic Syndromes, Hereditary; Tumor predisposition. Identifiers: Orphanet 140162, MedGen C0027672, MeSH D009386, MONDO:0015356.

Allele frequency attached by ClinVar (database versions not stated): gnomAD exomes below 0.00001.
gnomAD v4.1: 2 of 1,612,438 alleles (0.00012%); highest among the groups gnomAD compares: Non-Finnish European, 0.00017%; no homozygotes.

Submission:

Ambry Genetics
Classification: Uncertain significance for Hereditary cancer-predisposing syndrome. Last evaluated: 2020-12-29. Review status: criteria provided, single submitter. Criteria: Ambry Variant Classification Scheme 2023. Collection method: clinical testing. Allele origin: germline.
Comment: The p.A193G variant (also known as c.578C>G), located in coding exon 6 of the NF2 gene, results from a C to G substitution at nucleotide position 578. The alanine at codon 193 is replaced by glycine, an amino acid with similar properties. This amino acid position is well conserved in available vertebrate species. In addition, this alteration is predicted to be tolerated by in silico analysis. Since supporting evidence is limited at this time, the clinical significance of this alteration remains unclear.

NM_000268.4(NF2):c.578C>G (p.Ala193Gly)

Gene: NF2 (NF2, moesin-ezrin-radixin like (MERLIN) tumor suppressor; plus strand). Cytogenetic location: 22q12.2.
Variant type: single nucleotide variant.
Coding change: c.578C>G on transcript NM_000268.4 (MANE Select); coding-DNA position 578, C replaced by G.
Protein change: p.Ala193Gly; replaces alanine 193 with glycine.
Molecular consequence: missense variant. On other transcripts: non-coding transcript variant (1), intron variant (1).
Genome position (GRCh38, 1-based): chr22:29,655,655, C>G. VCF-style: chr22-29655655-C-G. GRCh37 (hg19) VCF-style: chr22-30051644-C-G.
Other names: c.455C>G, p.Ala152Gly (NM_001407058.1, NM_001407054.1, NM_001407062.1 and 1 more transcripts); c.464C>G, p.Ala155Gly (NM_001407053.1, NM_001407056.1); c.452C>G, p.Ala151Gly (NM_001407055.1, NM_181828.3); c.578C>G, p.Ala193Gly (NM_001407057.1, NM_181832.3, NM_001407059.1 and 4 more transcripts); c.329C>G, p.Ala110Gly (NM_181831.3, NM_001407063.1, NM_001407064.1 and 1 more transcripts); c.447+13370C>G (NM_181833.3); c.44C>G, p.Ala15Gly (NM_001407065.1); c.347C>G, p.Ala116Gly (NM_001407067.1); short protein forms A151G, A152G, A110G, A155G, A116G, A15G, A193G.
Identifiers: ClinVar variation 1749640 (VCV001749640.2), dbSNP rs1175984329, ClinGen allele CA411142660.
Genomic context (GRCh38, chr22:29,655,655, plus strand): 5'-TAATAAATCTGTATCAGATGACTCCGGAAATGTGGGAGGAGAGAATTACTGCTTGGTACG[C>G]AGAGCACCGAGGCCGAGCCAGGTGAGGCCCATTCATTGTTGGTTTACATTCCTTTATGGG-3'
Protein context (NP_000259.1, residues 183-203): MWEERITAWY[Ala193Gly]EHRGRARDEA